The following is an entry in ClinVar:

ClinVar aggregate classification (germline): Pathogenic. Review status: criteria provided, multiple submitters, no conflicts (2 of 4 stars). 7 submissions from 7 submitters: Pathogenic (7). Last evaluated 2025-06-30.

Conditions:
ABCC8-related disorder.
Type 2 diabetes mellitus. Also called: Type II diabetes mellitus. Identifiers: MedGen C0011860, MeSH D003924, MONDO:0005148, OMIM 125853, HP:0005978.
Familial hyperinsulinism. Also called: Congenital hyperinsulinism. Identifiers: Orphanet 276525, MedGen C3888018, MONDO:0017182. Disease mechanism: loss of function.
Hyperinsulinemic hypoglycemia, familial, 1 (HHF1). Also called: Persistent Hyperinsulinemia Hypoglycemia of Infancy; HYPERINSULINISM, FAMILIAL, WITH PANCREATIC NESIDIOBLASTOSIS; HYPOGLYCEMIA, HYPERINSULINEMIC, OF INFANCY; NESIDIOBLASTOSIS OF PANCREAS; Persistent hyperinsulinemic hypoglycemia of infancy. Identifiers: Orphanet 276575, Orphanet 276598, MedGen C2931832, MONDO:0009734, OMIM 256450.

Allele frequency attached by ClinVar (database versions not stated): gnomAD exomes below 0.00001.
gnomAD v4.1: 1 of 1,612,042 alleles (0.000062%); highest among the groups gnomAD compares: Non-Finnish European, 0.000085%; no homozygotes.

Submissions (7):

Myriad Genetics, Inc.
Classification: Pathogenic for Hyperinsulinemic hypoglycemia, familial, 1. Last evaluated: 2025-06-30. Review status: criteria provided, single submitter. Criteria: Myriad Autosomal Dominant, Autosomal Recessive and X-Linked Classification Criteria (2023). Collection method: clinical testing. Allele origin: unknown.
Comment: NM_000352.3(ABCC8):c.2117-2A>T is a variant in a canonical splice site classified as pathogenic in the context of familial hyperinsulinism, ABCC8-related. c.2117-2A>T has been observed in cases with relevant disease (PMID: 24401662). Relevant functional assessments of this variant are not available in the literature. c.2117-2A>T has been observed in referenced population frequency databases. In summary, NM_000352.3(ABCC8):c.2117-2A>T is a variant in a canonical splice site in a gene where loss of function is a known mechanism of disease, is predicted to disrupt protein function, and has been observed more frequently in cases with the relevant disease than in healthy populations. Please note: this variant was assessed in the context of healthy population screening.

Baylor Genetics
Classification: Pathogenic for Type 2 diabetes mellitus. Last evaluated: 2023-12-28. Review status: criteria provided, single submitter. Criteria: ACMG Guidelines, 2015. Collection method: clinical testing. Allele origin: unknown.

Broad Center for Mendelian Genomics, Broad Institute of MIT and Harvard
Classification: Pathogenic for Hyperinsulinemic hypoglycemia, familial, 1. Last evaluated: 2023-08-16. Review status: criteria provided, single submitter. Criteria: ACMG Guidelines, 2015. Collection method: curation. Allele origin: germline. Inheritance: Autosomal recessive inheritance.
Comment: The c.2117-2A>T variant in ABCC8 has been reported in 3 individuals with hyperinsulinemic hypoglycemia (PMID: 24401662, 21835061), and has been identified in 0.0009% (1/112606) of European (non-Finnish) chromosomes by the Genome Aggregation Database (gnomAD; dbSNP ID: rs1476853180). Although this variant has been seen in the general population in a heterozygous state, its frequency is low enough to be consistent with a recessive carrier frequency. This variant has also been reported in ClinVar (Variation ID: 962983) and has been interpreted as pathogenic by Invitae and Women's Health and Genetics/Laboratory Corporation of America (LabCorp). Of the 3 affected individuals, 1 was a compound heterozygote that carried a reported pathogenic variant in trans, which increases the likelihood that the c.2117-2A>T variant is pathogenic (PMID: 24401662). This variant is located in the 5' splice region. Computational tools do predict a splicing impact, though this information is not predictive enough to determine pathogenicity. Loss of function of the ABCC8 gene is an established disease mechanism in autosomal recessive hyperinsulinemic hypoglycemia. In summary, this variant meets criteria to be classified as pathogenic for autosomal recessive hyperinsulinemic hypoglycemia. ACMG/AMP Criteria applied: PVS1, PM3, PM2_supporting (Richards 2015).

PreventionGenetics, part of Exact Sciences
Classification: Pathogenic for ABCC8-related condition. Last evaluated: 2023-05-01. Review status: criteria provided, single submitter. Criteria: ACMG Guidelines, 2015. Collection method: clinical testing. Allele origin: germline.
Comment: The ABCC8 c.2117-2A>T variant is predicted to disrupt the AG splice acceptor site and interfere with normal splicing. This variant was reported in the biallelic state in individuals with congenital hyperinsulinism (Verheul et al. 2011. PubMed ID: 21835061; Mohnike et al. 2014. PubMed ID: 24401662). This variant is reported in 0.00089% of alleles in individuals of European (Non-Finnish) descent in gnomAD. Variants that disrupt the consensus splice acceptor site in ABCC8 are expected to be pathogenic. This variant is interpreted as pathogenic.

Labcorp Genetics (formerly Invitae), Labcorp
Classification: Pathogenic. Last evaluated: 2022-11-11. Review status: criteria provided, single submitter. Criteria: Invitae Variant Classification Sherloc (09022015). Collection method: clinical testing. Allele origin: germline.
Comment: For these reasons, this variant has been classified as Pathogenic. Algorithms developed to predict the effect of sequence changes on RNA splicing suggest that this variant may disrupt the consensus splice site. ClinVar contains an entry for this variant (Variation ID: 962983). Disruption of this splice site has been observed in individuals with autosomal recessive congenital hyperinsulinism (PMID: 21835061, 24401662). This variant is present in population databases (no rsID available, gnomAD 0.0009%). This sequence change affects an acceptor splice site in intron 15 of the ABCC8 gene. It is expected to disrupt RNA splicing. Variants that disrupt the donor or acceptor splice site typically lead to a loss of protein function (PMID: 16199547), and loss-of-function variants in ABCC8 are known to be pathogenic (PMID: 20685672, 23345197).

CeGaT Center for Human Genetics Tuebingen
Classification: Pathogenic. Last evaluated: 2022-04-01. Review status: criteria provided, single submitter. Criteria: CeGaT Center For Human Genetics Tuebingen Variant Classification Criteria Version 2. Collection method: clinical testing. Allele origin: germline. Affected: yes. Observed: 1 variant allele.
Comment: ABCC8: PVS1, PM2

Women's Health and Genetics/Laboratory Corporation of America, LabCorp
Classification: Pathogenic for Familial hyperinsulinism. Last evaluated: 2021-01-02. Review status: criteria provided, single submitter. Criteria: LabCorp Variant Classification Summary - May 2015. Collection method: clinical testing. Allele origin: germline.
Comment: Variant summary: ABCC8 c.2117-2A>T is located in a canonical splice-site and is predicted to affect mRNA splicing resulting in a significantly altered protein due to either exon skipping, shortening, or inclusion of intronic material. Several computational tools predict a significant impact on normal splicing: Four predict the variant abolishes the canonical 3' acceptor site. Three predict the variant strengthens an alternate nearby cryptic exonic 3' acceptor site. However, these predictions have yet to be confirmed by functional studies. The variant allele was found at a frequency of 4e-06 in 248742 control chromosomes. c.2117-2A>T has been reported in the literature in individuals affected with both diffuse and focal forms of Congenital Hyperinsulinism (example, Verheul_2011, Mohnike_2014). These data indicate that the variant is likely to be associated with disease. To our knowledge, no experimental evidence demonstrating an impact on protein function has been reported. One clinical diagnostic laboratory has submitted clinical-significance assessments for this variant to ClinVar after 2014 without evidence for independent evaluation and classified the variant as pathogenic citing overlapping evidence utilized in the context of this evaluation. Based on the evidence outlined above, the variant was classified as pathogenic.

Literature cited by the submitters: PubMed 24401662 (cited by 3 submitters); PubMed 21835061 (cited by Labcorp Genetics (formerly Invitae), Labcorp and Women's Health and Genetics/Laboratory Corporation of America, LabCorp); PubMed 16199547 (cited by Labcorp Genetics (formerly Invitae), Labcorp); PubMed 20685672 (cited by Labcorp Genetics (formerly Invitae), Labcorp); PubMed 23345197 (cited by Labcorp Genetics (formerly Invitae), Labcorp).

NM_000352.6(ABCC8):c.2117-2A>T

Gene: ABCC8 (ATP binding cassette subfamily C member 8; minus strand). Cytogenetic location: 11p15.1.
Variant type: single nucleotide variant.
Coding change: c.2117-2A>T on transcript NM_000352.6 (MANE Select); the canonical splice acceptor site of the intron before coding-DNA position 2117, A replaced by T.
Molecular consequence: splice acceptor variant.
Genome position (GRCh38, 1-based): chr11:17,427,156, T>A on the plus strand (A>T on the coding strand, the complement: ABCC8 is on the minus strand). VCF-style: chr11-17427156-T-A. GRCh37 (hg19) VCF-style: chr11-17448703-T-A.
Other names: c.2114-2A>T (NM_001351297.2, NM_001351296.2); c.2183-2A>T (NM_001351295.2); c.2117-2A>T (NM_001287174.3).
Identifiers: ClinVar variation 962983 (VCV000962983.35), dbSNP rs1476853180, ClinGen allele CA379813843.